The following is an entry in ClinVar:

NM_012062.5(DNM1L):c.1885-15del

Gene: DNM1L (dynamin 1 like; plus strand). Cytogenetic location: 12p11.21.
Variant type: Deletion.
Coding change: c.1885-15del on transcript NM_012062.5 (MANE Select); 15 bases into the intron before coding-DNA position 1885, one base deleted (C; older notation c.1885-15delC).
Molecular consequence: intron variant.
Genome position (GRCh38, 1-based): chr12:32,740,394, C deleted; the last of 5 consecutive C bases (chr12:32,740,390-32,740,394); deleting any one gives the same sequence. VCF-style (leftmost placement, unchanged base first): chr12-32740389-TC-T. GRCh37 (hg19) VCF-style: chr12-32893323-TC-T.
Other names: c.1924-15del (NM_001278464.2); c.1891-15del (NM_001278465.2); c.1813-15del (NM_001330380.2); c.1276-15del (NM_001278466.2); c.1852-15del (NM_001278463.2); c.1807-15del (NM_012063.4); c.1774-15del (NM_005690.5); c.1885-15delC (NM_012062.3, NM_012062.4).
Identifiers: ClinVar variation 214306 (VCV000214306.13), dbSNP rs863223951, ClinGen allele CA322538.
Genomic context (GRCh38, chr12:32,740,389, plus strand): 5'-AACTTACATAACTTTCAGATGTTAAAGCTGCCATTTTAGTGTCACAAAAGTAATATTTTT[TC>T]CCCCTCATCCCTATTTAGCCAGTTCCTGTTGCACGAAAACTATCTGCTCGGGAACAGCGA-3'

ClinVar aggregate classification (germline): Benign/Likely benign. Review status: criteria provided, multiple submitters, no conflicts (2 of 4 stars). 4 submissions from 4 submitters: Benign (3); Likely benign (1). Last evaluated 2026-02-03.

Conditions:
Optic atrophy 5 (OPA5). Identifiers: Orphanet 98673, MedGen C1853139, MONDO:0012543, OMIM 610708.
Encephalopathy, lethal, due to defective mitochondrial peroxisomal fission 1. Identifiers: Orphanet 330050, MedGen C3280660, MONDO:0013726, OMIM 614388.

Submissions (4):

Labcorp Genetics (formerly Invitae), Labcorp
Classification: Benign. Last evaluated: 2026-02-03. Review status: criteria provided, single submitter. Criteria: Invitae Variant Classification Sherloc (09022015). Collection method: clinical testing. Allele origin: germline.

Fulgent Genetics
Classification: Likely benign for Optic atrophy 5; Encephalopathy, lethal, due to defective mitochondrial peroxisomal fission 1. Last evaluated: 2021-09-01. Review status: criteria provided, single submitter. Criteria: ACMG Guidelines, 2015. Collection method: clinical testing. Allele origin: unknown.

GeneDx
Classification: Benign. Last evaluated: 2014-03-31. Review status: criteria provided, single submitter. Criteria: GeneDx Variant Classification (06012015). Collection method: clinical testing. Allele origin: germline. Affected: yes.
Comment: The variant is found in MITONUC-MITOP panel(s).

PreventionGenetics, part of Exact Sciences
Classification: Benign. Review status: criteria provided, single submitter. Criteria: ACMG Guidelines, 2015. Collection method: clinical testing. Allele origin: germline.